The following is an entry in ClinVar:

ClinVar aggregate classification (germline): Uncertain significance (1 of 4 stars; one submission).

Conditions:
Intellectual developmental disorder, X-linked 1. Also called: MENTAL RETARDATION, X-LINKED 18; MENTAL RETARDATION, X-LINKED 78; Intellectual disability, X-linked 1; Atkin Flaitz Patil Smith syndrome. Identifiers: Orphanet 777, MedGen C2931498, MONDO:0010656, OMIM 309530.

Submission:

Labcorp Genetics (formerly Invitae), Labcorp
Classification: Uncertain significance for Intellectual developmental disorder, X-linked 1. Last evaluated: 2025-05-18. Review status: criteria provided, single submitter. Criteria: Invitae Variant Classification Sherloc (09022015). Collection method: clinical testing. Allele origin: germline.
Comment: This sequence change replaces aspartic acid, which is acidic and polar, with glycine, which is neutral and non-polar, at codon 462 of the IQSEC2 protein (p.Asp462Gly). This variant is not present in population databases (gnomAD no frequency). This variant has not been reported in the literature in individuals affected with IQSEC2-related conditions. ClinVar contains an entry for this variant (Variation ID: 1718425). Invitae Evidence Modeling of protein sequence and biophysical properties (such as structural, functional, and spatial information, amino acid conservation, physicochemical variation, residue mobility, and thermodynamic stability) indicates that this missense variant is not expected to disrupt IQSEC2 protein function with a negative predictive value of 95%. In summary, the available evidence is currently insufficient to determine the role of this variant in disease. Therefore, it has been classified as a Variant of Uncertain Significance.

NM_001111125.3(IQSEC2):c.1385A>G (p.Asp462Gly)

Gene: IQSEC2 (IQ motif and Sec7 domain ArfGEF 2; minus strand). Cytogenetic location: Xp11.22.
Variant type: single nucleotide variant.
Coding change: c.1385A>G on transcript NM_001111125.3 (MANE Select); coding-DNA position 1385, A replaced by G.
Protein change: p.Asp462Gly; replaces aspartic acid 462 with glycine.
Molecular consequence: missense variant.
Genome position (GRCh38, 1-based): chrX:53,254,546, T>C on the plus strand (A>G on the coding strand, the complement: IQSEC2 is on the minus strand). VCF-style: chrX-53254546-T-C. GRCh37 (hg19) VCF-style: chrX-53283728-T-C.
Other names: c.1385A>G, p.Asp462Gly (NM_001410736.1); c.770A>G, p.Asp257Gly (NM_015075.2); short protein forms D257G, D462G.
Identifiers: ClinVar variation 1718425 (VCV001718425.6), dbSNP rs2519835562, ClinGen allele CA413167273.